The following is an entry in ClinVar:

NM_001283009.2(RTEL1):c.3490C>T (p.Pro1164Ser)

Genes: RTEL1 (regulator of telomere elongation helicase 1; plus strand), RTEL1-TNFRSF6B (RTEL1-TNFRSF6B readthrough (NMD candidate); plus strand). Cytogenetic location: 20q13.33.
Variant type: single nucleotide variant.
Coding change: c.3490C>T on transcript NM_001283009.2 (MANE Select); coding-DNA position 3490, C replaced by T.
Protein change: p.Pro1164Ser; replaces proline 1164 with serine.
Molecular consequence: missense variant. On other transcripts: non-coding transcript variant (1).
Genome position (GRCh38, 1-based): chr20:63,695,212, C>T. VCF-style: chr20-63695212-C-T. GRCh37 (hg19) VCF-style: chr20-62326565-C-T.
Other names: c.2821C>T, p.Pro941Ser (NM_001283010.1); c.3490C>T, p.Pro1164Ser (NM_016434.4); c.3562C>T, p.Pro1188Ser (NM_032957.5); short protein forms P941S, P1188S, P1164S.
Identifiers: ClinVar variation 3435931 (VCV003435931.1).

ClinVar aggregate classification (germline): Uncertain significance (1 of 4 stars; one submission).

Conditions:
Inborn genetic diseases. Identifiers: MedGen C0950123, MeSH D030342.

gnomAD v4.1: 3 of 1,611,792 alleles (0.00019%); highest among the groups gnomAD compares: South Asian, 0.0011%; no homozygotes.

Submission:

Ambry Genetics
Classification: Uncertain significance for Inborn genetic diseases. Last evaluated: 2024-11-17. Review status: criteria provided, single submitter. Criteria: Ambry Variant Classification Scheme 2023. Collection method: clinical testing. Allele origin: germline.
Comment: The p.P1164S variant (also known as c.3490C>T), located in coding exon 32 of the RTEL1 gene, results from a C to T substitution at nucleotide position 3490. The proline at codon 1164 is replaced by serine, an amino acid with similar properties. This amino acid position is conserved. In addition, this alteration is predicted to be tolerated by in silico analysis. Based on the available evidence, the clinical significance of this variant remains unclear.